The following is an entry in ClinVar:

NM_000222.3(KIT):c.2601C>A (p.Ser867Arg)

Gene: KIT (KIT proto-oncogene, receptor tyrosine kinase; plus strand). Cytogenetic location: 4q12.
Variant type: single nucleotide variant.
Coding change: c.2601C>A on transcript NM_000222.3 (MANE Select); coding-DNA position 2601, C replaced by A.
Protein change: p.Ser867Arg; replaces serine 867 with arginine.
Molecular consequence: missense variant.
Genome position (GRCh38, 1-based): chr4:54,736,725, C>A. VCF-style: chr4-54736725-C-A. GRCh37 (hg19) VCF-style: chr4-55602891-C-A.
Other names: c.2601C>A (NM_000222.2); c.2589C>A, p.Ser863Arg (NM_001093772.2, NM_001385292.1); c.2604C>A, p.Ser868Arg (NM_001385284.1); c.2598C>A, p.Ser866Arg (NM_001385285.1); c.2586C>A, p.Ser862Arg (NM_001385286.1); c.2592C>A, p.Ser864Arg (NM_001385288.1); c.2601C>A, p.Ser867Arg (NM_001385290.1); short protein forms S866R, S864R, S868R, S862R, S863R, S867R.
Identifiers: ClinVar variation 1037520 (VCV001037520.11), dbSNP rs143074839, ClinGen allele CA2923810.

ClinVar aggregate classification (germline): Uncertain significance. Review status: criteria provided, multiple submitters, no conflicts (2 of 4 stars). 3 submissions from 3 submitters: Uncertain significance (3). Last evaluated 2025-02-04.

Conditions:
Hereditary cancer-predisposing syndrome. Also called: Hereditary neoplastic syndrome; Neoplastic Syndromes, Hereditary; Tumor predisposition; Hereditary Cancer Syndrome. Identifiers: Orphanet 140162, MedGen C0027672, MeSH D009386, MONDO:0015356.
Gastrointestinal stromal tumor. Also called: Gastrointestinal stromal tumor, somatic; Gastrointestinal stroma tumor. Identifiers: Orphanet 44890, MedGen C0238198, MeSH D046152, MONDO:0011719, OMIM 606764, HP:0100723.

gnomAD v4.1: 2 of 1,613,954 alleles (0.00012%); highest among the groups gnomAD compares: Non-Finnish European, 0.00017%; no homozygotes.

Submissions (3):

Ambry Genetics
Classification: Uncertain significance for Hereditary cancer-predisposing syndrome. Last evaluated: 2025-02-04. Review status: criteria provided, single submitter. Criteria: Ambry Variant Classification Scheme 2023. Collection method: clinical testing. Allele origin: germline.
Comment: The p.S867R variant (also known as c.2601C>A), located in coding exon 19 of the KIT gene, results from a C to A substitution at nucleotide position 2601. The serine at codon 867 is replaced by arginine, an amino acid with dissimilar properties. This amino acid position is not well conserved in available vertebrate species. In addition, the in silico prediction for this alteration is inconclusive. Based on the available evidence, the clinical significance of this variant remains unclear.

Blueprint Genetics
Classification: Uncertain significance. Last evaluated: 2024-03-14. Review status: criteria provided, single submitter. Criteria: ACMG Guidelines, 2015. Collection method: clinical testing. Allele origin: germline.

Labcorp Genetics (formerly Invitae), Labcorp
Classification: Uncertain significance for Gastrointestinal stromal tumor. Last evaluated: 2023-03-07. Review status: criteria provided, single submitter. Criteria: Invitae Variant Classification Sherloc (09022015). Collection method: clinical testing. Allele origin: germline.
Comment: This sequence change replaces serine, which is neutral and polar, with arginine, which is basic and polar, at codon 867 of the KIT protein (p.Ser867Arg). This variant is present in population databases (rs143074839, gnomAD 0.0009%). This variant has not been reported in the literature in individuals affected with KIT-related conditions. ClinVar contains an entry for this variant (Variation ID: 1037520). An algorithm developed to predict the effect of missense changes on protein structure and function (PolyPhen-2) suggests that this variant is likely to be disruptive. Algorithms developed to predict the effect of sequence changes on RNA splicing suggest that this variant may create or strengthen a splice site. In summary, the available evidence is currently insufficient to determine the role of this variant in disease. Therefore, it has been classified as a Variant of Uncertain Significance.